The following is an entry in ClinVar:

ClinVar aggregate classification (germline): Uncertain significance (1 of 4 stars; one submission).

gnomAD v4.1: 1 of 1,614,002 alleles (0.000062%); highest among the groups gnomAD compares: Non-Finnish European, 0.000085%; no homozygotes.

Submission:

Labcorp Genetics (formerly Invitae), Labcorp
Classification: Uncertain significance. Last evaluated: 2021-12-07. Review status: criteria provided, single submitter. Criteria: Invitae Variant Classification Sherloc (09022015). Collection method: clinical testing. Allele origin: germline.
Comment: This sequence change replaces alanine, which is neutral and non-polar, with threonine, which is neutral and polar, at codon 3125 of the SZT2 protein (p.Ala3125Thr). This variant is not present in population databases (gnomAD no frequency). This variant has not been reported in the literature in individuals affected with SZT2-related conditions. Algorithms developed to predict the effect of missense changes on protein structure and function are either unavailable or do not agree on the potential impact of this missense change (SIFT: "Tolerated"; PolyPhen-2: "Possibly Damaging"; Align-GVGD: "Class C0"). In summary, the available evidence is currently insufficient to determine the role of this variant in disease. Therefore, it has been classified as a Variant of Uncertain Significance.

NM_001365999.1(SZT2):c.9544G>A (p.Ala3182Thr)

Genes: SZT2 (SZT2 subunit of KICSTOR complex; plus strand), SZT2-AS1 (SZT2 antisense RNA 1; minus strand). Cytogenetic location: 1p34.2.
Variant type: single nucleotide variant.
Coding change: c.9544G>A on transcript NM_001365999.1 (MANE Select); coding-DNA position 9544, G replaced by A.
Protein change: p.Ala3182Thr; replaces alanine 3182 with threonine.
Molecular consequence: missense variant.
Genome position (GRCh38, 1-based): chr1:43,447,952, G>A. VCF-style: chr1-43447952-G-A. GRCh37 (hg19) VCF-style: chr1-43913623-G-A.
Other names: c.9373G>A, p.Ala3125Thr (NM_015284.4); short protein forms A3125T, A3182T.
Identifiers: ClinVar variation 1428475 (VCV001428475.6), dbSNP rs2153936886, ClinGen allele CA340043660.